The following is an entry in ClinVar:

NM_001211.6(BUB1B):c.709_712del (p.Thr237fs)

Gene: BUB1B (BUB1 mitotic checkpoint serine/threonine kinase B; plus strand). Cytogenetic location: 15q15.1.
Variant type: Deletion.
Coding change: c.709_712del on transcript NM_001211.6 (MANE Select); coding-DNA positions 709 to 712, 4 bases deleted (ACAG; older notation c.709_712delACAG).
Protein change: p.Thr237fs; shifts the reading frame from threonine 237.
Molecular consequence: frameshift variant.
Genome position (GRCh38, 1-based): chr15:40,183,841-40,183,844, ACAG deleted; deleting any 4 consecutive bases within chr15:40,183,839-40,183,844 gives the same sequence; the c. name uses the placement nearest the transcript's 3' end. VCF-style (leftmost placement, unchanged base first): chr15-40183838-AAGAC-A. GRCh37 (hg19) VCF-style: chr15-40476039-AAGAC-A.
Other names: short protein forms T237fs.
Identifiers: ClinVar variation 849777 (VCV000849777.7), dbSNP rs992789522, ClinGen allele CA268782682.
Genomic context (GRCh38, chr15:40,183,838, plus strand): 5'-GTTTTTGAGTCTTCTGTACCACAACGAAGCACACTAGCTGAACTAAAGAGCAAAGGGAAA[AAGAC>A]AGCAAGAGCTCCAATCATCCGTGTAGGAGGTGCTCTCAAGGGTAAGTTTGTTAAACGTTA-3'

ClinVar aggregate classification (germline): Pathogenic (1 of 4 stars; one submission).

Conditions:
Mosaic variegated aneuploidy syndrome 1 (MVA1). Also called: Warburton-Anyane-Yeboa syndrome. Identifiers: Orphanet 1052, MedGen C1850343, MONDO:0009759, OMIM 257300.

Submission:

Labcorp Genetics (formerly Invitae), Labcorp
Classification: Pathogenic for Mosaic variegated aneuploidy syndrome 1. Last evaluated: 2019-12-22. Review status: criteria provided, single submitter. Criteria: Invitae Variant Classification Sherloc (09022015). Collection method: clinical testing. Allele origin: germline.
Comment: For these reasons, this variant has been classified as Pathogenic. Loss-of-function variants in BUB1B are known to be pathogenic (PMID: 15475955, 21190457). This variant has not been reported in the literature in individuals with BUB1B-related conditions. This variant is not present in population databases (ExAC no frequency). This sequence change creates a premature translational stop signal (p.Thr237Glnfs*8) in the BUB1B gene. It is expected to result in an absent or disrupted protein product.

Literature cited by the submitters: PubMed 15475955; PubMed 21190457.